The following is an entry in ClinVar:

ClinVar aggregate classification (germline): Uncertain significance. Review status: criteria provided, multiple submitters, no conflicts (2 of 4 stars). 2 submissions from 2 submitters: Uncertain significance (2). Last evaluated 2025-05-30.

Conditions:
Atrial septal defect 5 (ASD5). Identifiers: Orphanet 1478, MedGen C2748552, MONDO:0013011, OMIM 612794.
Hypertrophic cardiomyopathy 11. Also called: ACTC1-Related Familial Hypertrophic Cardiomyopathy. Identifiers: MedGen C2677506, MONDO:0012799, OMIM 612098.
Dilated cardiomyopathy 1R (CMD1R). Identifiers: Orphanet 154, Orphanet 54260, MedGen C3150681, MONDO:0013261, OMIM 613424.
Cardiomyopathy (CMYO). Also called: Cardiomyopathies. Identifiers: Orphanet 167848, MedGen C0878544, MONDO:0004994, HP:0001638. Inheritance: Various modes of inheritance.

Submissions (2):

Color Diagnostics, LLC DBA Color Health
Classification: Uncertain significance for Cardiomyopathy. Last evaluated: 2025-05-30. Review status: criteria provided, single submitter. Criteria: ACMG Guidelines, 2015. Collection method: clinical testing. Allele origin: germline.
Comment: This missense variant replaces alanine with threonine at codon 137 of the ACTC1 protein. Computational prediction suggests that this variant may have a deleterious impact on protein structure and function. To our knowledge, functional studies have not been reported for this variant. This variant has not been reported in individuals affected with ACTC1-related disorders in the literature. This variant has not been identified in the general population by the Genome Aggregation Database (gnomAD). The available evidence is insufficient to determine the role of this variant in disease conclusively. Therefore, this variant is classified as a Variant of Uncertain Significance.

Labcorp Genetics (formerly Invitae), Labcorp
Classification: Uncertain significance for Dilated cardiomyopathy 1R; Hypertrophic cardiomyopathy 11; Atrial septal defect 5. Last evaluated: 2020-08-21. Review status: criteria provided, single submitter. Criteria: Invitae Variant Classification Sherloc (09022015). Collection method: clinical testing. Allele origin: germline.
Comment: This variant is not present in population databases (ExAC no frequency). This sequence change replaces alanine with threonine at codon 137 of the ACTC1 protein (p.Ala137Thr). The alanine residue is highly conserved and there is a small physicochemical difference between alanine and threonine. This variant has not been reported in the literature in individuals with ACTC1-related conditions. Algorithms developed to predict the effect of missense changes on protein structure and function (SIFT, PolyPhen-2, Align-GVGD) all suggest that this variant is likely to be tolerated, but these predictions have not been confirmed by published functional studies and their clinical significance is uncertain. In summary, the available evidence is currently insufficient to determine the role of this variant in disease. Therefore, it has been classified as a Variant of Uncertain Significance.

NM_005159.5(ACTC1):c.409G>A (p.Ala137Thr)

Genes: ACTC1 (actin alpha cardiac muscle 1; minus strand), GJD2-DT (GJD2 divergent transcript; plus strand). Cytogenetic location: 15q14.
Variant type: single nucleotide variant.
Coding change: c.409G>A on transcript NM_005159.5 (MANE Select); coding-DNA position 409, G replaced by A.
Protein change: p.Ala137Thr; replaces alanine 137 with threonine.
Molecular consequence: missense variant.
Genome position (GRCh38, 1-based): chr15:34,793,290, C>T on the plus strand (G>A on the coding strand, the complement: ACTC1 is on the minus strand). VCF-style: chr15-34793290-C-T. GRCh37 (hg19) VCF-style: chr15-35085491-C-T.
Other names: short protein forms A137T.
Identifiers: ClinVar variation 999442 (VCV000999442.9), dbSNP rs1891745022, ClinGen allele CA391631294.